The following is an entry in ClinVar:

NM_018475.5(TMEM165):c.712G>A (p.Val238Ile)

Gene: TMEM165 (transmembrane protein 165; plus strand). Cytogenetic location: 4q12.
Variant type: single nucleotide variant.
Coding change: c.712G>A on transcript NM_018475.5 (MANE Select); coding-DNA position 712, G replaced by A.
Protein change: p.Val238Ile; replaces valine 238 with isoleucine.
Molecular consequence: missense variant. On other transcripts: non-coding transcript variant (1).
Genome position (GRCh38, 1-based): chr4:55,417,905, G>A. VCF-style: chr4-55417905-G-A. GRCh37 (hg19) VCF-style: chr4-56284072-G-A.
Other names: short protein forms V238I.
Identifiers: ClinVar variation 1909587 (VCV001909587.5), dbSNP rs61744839, ClinGen allele CA96885270.

ClinVar aggregate classification (germline): Uncertain significance (1 of 4 stars; one submission).

Conditions:
TMEM165-congenital disorder of glycosylation. Also called: CDG IIk; Congenital disorder of glycosylation type 2k; TMEM165-CDG. Identifiers: Orphanet 314667, MedGen C3553571, MONDO:0013870, OMIM 614727.

Allele frequency attached by ClinVar (database versions not stated): gnomAD exomes 0.00001; TOPMed 0.00001; gnomAD 0.00002; ESP Exome Variant Server 0.00008.
gnomAD v4.1: 12 of 1,613,814 alleles (0.00074%); highest among the groups gnomAD compares: Non-Finnish European, 0.001%; no homozygotes.

Submission:

Labcorp Genetics (formerly Invitae), Labcorp
Classification: Uncertain significance for TMEM165-congenital disorder of glycosylation. Last evaluated: 2021-12-23. Review status: criteria provided, single submitter. Criteria: Invitae Variant Classification Sherloc (09022015). Collection method: clinical testing. Allele origin: germline.
Comment: This variant is not present in population databases (gnomAD no frequency). This sequence change replaces valine, which is neutral and non-polar, with isoleucine, which is neutral and non-polar, at codon 238 of the TMEM165 protein (p.Val238Ile). This variant has not been reported in the literature in individuals affected with TMEM165-related conditions. Algorithms developed to predict the effect of missense changes on protein structure and function (SIFT, PolyPhen-2, Align-GVGD) all suggest that this variant is likely to be tolerated. In summary, the available evidence is currently insufficient to determine the role of this variant in disease. Therefore, it has been classified as a Variant of Uncertain Significance.